The following is an entry in ClinVar:

ClinVar aggregate classification (germline): Pathogenic. Review status: criteria provided, multiple submitters, no conflicts (2 of 4 stars). 4 submissions from 4 submitters: Pathogenic (3). 1 of the submissions does not count toward it. Last evaluated 2025-02-27.

Conditions:
Hereditary cancer-predisposing syndrome. Also called: Hereditary Cancer Syndrome; Hereditary neoplastic syndrome; Tumor predisposition; Neoplastic Syndromes, Hereditary. Identifiers: Orphanet 140162, MedGen C0027672, MeSH D009386, MONDO:0015356.
MEN1-related disorder. Also called: MEN1-related condition.
Multiple endocrine neoplasia, type 1 (MEN1). Also called: MEA I; MEN I; WERMER SYNDROME; Endocrine adenomatosis multiple; MEN 1. Identifiers: Orphanet 652, MedGen C0025267, MeSH D018761, MONDO:0007540, OMIM 131100.

Submissions (4):

Labcorp Genetics (formerly Invitae), Labcorp
Classification: Pathogenic for Multiple endocrine neoplasia, type 1. Last evaluated: 2025-02-27. Review status: criteria provided, single submitter. Criteria: Invitae Variant Classification Sherloc (09022015). Collection method: clinical testing. Allele origin: germline.
Comment: This sequence change creates a premature translational stop signal (p.Tyr313*) in the MEN1 gene. It is expected to result in an absent or disrupted protein product. Loss-of-function variants in MEN1 are known to be pathogenic (PMID: 12112656, 17853334). This variant is not present in population databases (gnomAD no frequency). This premature translational stop signal has been observed in individual(s) with multiple endocrine neoplasia type 1 (PMID: 10090472). ClinVar contains an entry for this variant (Variation ID: 439894). For these reasons, this variant has been classified as Pathogenic.

Ambry Genetics
Classification: Pathogenic for Hereditary cancer-predisposing syndrome. Last evaluated: 2021-12-10. Review status: criteria provided, single submitter. Criteria: Ambry Variant Classification Scheme 2023. Collection method: clinical testing. Allele origin: germline.
Comment: The p.Y313* pathogenic mutation (also known as c.939T>G), located in coding exon 6 of the MEN1 gene, results from a T to G substitution at nucleotide position 939. This changes the amino acid from a tyrosine to a stop codon within coding exon 6. This alteration has been observed in at least one individual with a personal and/or family history that is consistent with MEN1-related disease (Ambry internal data). This alteration has been reported in a cohort of 33 kindreds meeting clinical diagnosis of MEN1 (Mutch MG et al. Hum Mutat, 1999;13:175-85). This variant is considered to be rare based on population cohorts in the Genome Aggregation Database (gnomAD). In addition to the clinical data presented in the literature, this alteration is expected to result in loss of function by premature protein truncation or nonsense-mediated mRNA decay. As such, this alteration is interpreted as a disease-causing mutation.

ARUP Laboratories, Molecular Genetics and Genomics, ARUP Laboratories
Classification: Pathogenic. Last evaluated: 2017-03-02. Review status: criteria provided, single submitter. Criteria: ARUP Molecular Germline Variant Investigation Process. Collection method: clinical testing. Allele origin: germline.

PreventionGenetics, part of Exact Sciences
Classification: Pathogenic for MEN1-related condition. Last evaluated: 2024-06-24. Review status: no assertion criteria provided. Collection method: clinical testing. Allele origin: germline. Not counted in ClinVar's aggregate classification.
Comment: The MEN1 c.954T>G variant is predicted to result in premature protein termination (p.Tyr318*). This variant has been reported in individual(s) with multiple endocrine neoplasia 1 (see for example, kindred 094 in Mutch et al. 1999. PubMed ID: 10090472). This variant has not been reported in a large population database, indicating this variant is rare. This variant is interpreted as pathogenic in ClinVar. Nonsense variants in MEN1 are expected to be pathogenic. This variant is interpreted as pathogenic.

Literature cited by the submitters: PubMed 12112656 (cited by Labcorp Genetics (formerly Invitae), Labcorp); PubMed 17853334 (cited by Labcorp Genetics (formerly Invitae), Labcorp); PubMed 10090472 (cited by Labcorp Genetics (formerly Invitae), Labcorp and Ambry Genetics).

NM_001370259.2(MEN1):c.939T>G (p.Tyr313Ter)

Gene: MEN1 (menin 1; minus strand). Cytogenetic location: 11q13.1.
Variant type: single nucleotide variant.
Coding change: c.939T>G on transcript NM_001370259.2 (MANE Select); coding-DNA position 939, T replaced by G.
Protein change: p.Tyr313Ter; replaces tyrosine 313 with a stop codon.
Molecular consequence: nonsense.
Genome position (GRCh38, 1-based): chr11:64,806,342, A>C on the plus strand (T>G on the coding strand, the complement: MEN1 is on the minus strand). VCF-style: chr11-64806342-A-C. GRCh37 (hg19) VCF-style: chr11-64573814-A-C.
Other names: c.954T>G, p.Tyr318Ter (NM_000244.4, NM_130800.3, NM_130801.3 and 3 more transcripts); c.939T>G, p.Tyr313Ter (NM_001370251.2, NM_001370260.2, NM_001370261.2 and 1 more transcripts); c.834T>G, p.Tyr278Ter (NM_001370262.2, NM_001370263.2); c.954T>G (NM_000244.3); short protein forms Y313*, Y318*, Y278*.
Identifiers: ClinVar variation 439894 (VCV000439894.14), dbSNP rs1555165128, ClinGen allele CA381183406.